The following is an entry in ClinVar:

ClinVar aggregate classification (germline): Uncertain significance. Review status: criteria provided, multiple submitters, no conflicts (2 of 4 stars). 2 submissions from 2 submitters: Uncertain significance (2). Last evaluated 2025-03-17.

Conditions:
Sotos syndrome (SOTOS). Also called: CEREBRAL GIGANTISM; Sotos' syndrome; CHROMOSOME 5q35 DELETION SYNDROME; Distinctive facial appearance, overgrowth in childhood, and learning disabilities or delayed development; SOTOS SYNDROME 1. Identifiers: Orphanet 821, MedGen C0175695, MONDO:0019349, OMIM 117550.

Submissions (2):

Labcorp Genetics (formerly Invitae), Labcorp
Classification: Uncertain significance. Last evaluated: 2025-03-17. Review status: criteria provided, single submitter. Criteria: Invitae Variant Classification Sherloc (09022015). Collection method: clinical testing. Allele origin: germline.
Comment: This sequence change replaces aspartic acid, which is acidic and polar, with asparagine, which is neutral and polar, at codon 177 of the NSD1 protein (p.Asp177Asn). This variant is not present in population databases (gnomAD no frequency). This variant has not been reported in the literature in individuals affected with NSD1-related conditions. ClinVar contains an entry for this variant (Variation ID: 1934697). Invitae Evidence Modeling of protein sequence and biophysical properties (such as structural, functional, and spatial information, amino acid conservation, physicochemical variation, residue mobility, and thermodynamic stability) indicates that this missense variant is not expected to disrupt NSD1 protein function with a negative predictive value of 95%. In summary, the available evidence is currently insufficient to determine the role of this variant in disease. Therefore, it has been classified as a Variant of Uncertain Significance.

Fulgent Genetics
Classification: Uncertain significance for Sotos syndrome. Last evaluated: 2024-06-15. Review status: criteria provided, single submitter. Criteria: ACMG Guidelines, 2015. Collection method: clinical testing. Allele origin: germline.

NM_022455.5(NSD1):c.529G>A (p.Asp177Asn)

Gene: NSD1 (nuclear receptor binding SET domain protein 1; plus strand). Cytogenetic location: 5q35.3.
Variant type: single nucleotide variant.
Coding change: c.529G>A on transcript NM_022455.5 (MANE Select); coding-DNA position 529, G replaced by A.
Protein change: p.Asp177Asn; replaces aspartic acid 177 with asparagine.
Molecular consequence: missense variant. On other transcripts: intron variant (8).
Genome position (GRCh38, 1-based): chr5:177,135,632, G>A. VCF-style: chr5-177135632-G-A. GRCh37 (hg19) VCF-style: chr5-176562633-G-A.
Other names: c.529G>A, p.Asp177Asn (NM_001409301.1, NM_001409302.1, NM_001409303.1); c.417+112G>A (NM_001409304.1); c.-36-309G>A (NM_001409305.1, NM_001409306.1, NM_001409308.1 and 4 more transcripts); short protein forms D177N.
Identifiers: ClinVar variation 1934697 (VCV001934697.6), dbSNP rs1756251509, ClinGen allele CA362294009.